The following is an entry in ClinVar:

ClinVar aggregate classification (germline): Conflicting classifications of pathogenicity. Review status: criteria provided, conflicting classifications (1 of 4 stars). 8 submissions from 8 submitters: Uncertain significance (5); Likely benign (3). Last evaluated 2025-12-16.

Conditions:
Hereditary cancer-predisposing syndrome. Also called: Tumor predisposition; Neoplastic Syndromes, Hereditary; Hereditary Cancer Syndrome; Hereditary neoplastic syndrome. Identifiers: Orphanet 140162, MedGen C0027672, MeSH D009386, MONDO:0015356.
Breast-ovarian cancer, familial, susceptibility to, 2 (BROVCA2). Also called: BRCA2 Hereditary Breast and Ovarian Cancer. Identifiers: Orphanet 145, MedGen C2675520, MONDO:0012933, OMIM 612555. Disease mechanism: loss of function.
Hereditary breast ovarian cancer syndrome. Also called: BRCA1- and BRCA2-Associated Hereditary Breast and Ovarian Cancer; Hereditary breast and/or ovarian cancer syndrome; Hereditary breast and ovarian cancer; Hereditary breast and ovarian cancer syndrome; Hereditary breast and ovarian cancer syndrome (HBOC); Breast and ovarian cancer. Identifiers: Orphanet 145, MedGen C0677776, MeSH D061325, MONDO:0003582. Disease mechanism: loss of function.

Allele frequency attached by ClinVar (database versions not stated): gnomAD below 0.00001 and 0.00001; gnomAD exomes below 0.00001; TOPMed 0.00001.
gnomAD v4.1: 3 of 1,613,368 alleles (0.00019%); highest among the groups gnomAD compares: East Asian, 0.0022%; no homozygotes.

Submissions (8):

Color Diagnostics, LLC DBA Color Health
Classification: Uncertain significance for Hereditary cancer-predisposing syndrome. Last evaluated: 2025-12-16. Review status: criteria provided, single submitter. Criteria: ACMG Guidelines, 2015. Collection method: clinical testing. Allele origin: germline.
Comment: This missense variant replaces serine with asparagine at codon 1926 of the BRCA2 protein. Computational prediction suggests that this variant may not impact protein structure and function. To our knowledge, functional studies have not been reported for this variant. This variant has not been reported as a germline variant in individuals affected with BRCA2-related disorders in the literature. This variant has been identified in 3/1613368 chromosomes in the general population by the Genome Aggregation Database (gnomAD). The available evidence is insufficient to determine the role of this variant in disease conclusively. Therefore, this variant is classified as a Variant of Uncertain Significance.

Labcorp Genetics (formerly Invitae), Labcorp
Classification: Uncertain significance for Hereditary breast ovarian cancer syndrome. Last evaluated: 2025-07-22. Review status: criteria provided, single submitter. Criteria: Invitae Variant Classification Sherloc (09022015). Collection method: clinical testing. Allele origin: germline.
Comment: This sequence change replaces serine, which is neutral and polar, with asparagine, which is neutral and polar, at codon 1926 of the BRCA2 protein (p.Ser1926Asn). This variant is not present in population databases (gnomAD no frequency). This variant has not been reported in the literature in individuals affected with BRCA2-related conditions. ClinVar contains an entry for this variant (Variation ID: 225745). Invitae Evidence Modeling of protein sequence and biophysical properties (such as structural, functional, and spatial information, amino acid conservation, physicochemical variation, residue mobility, and thermodynamic stability) indicates that this missense variant is not expected to disrupt BRCA2 protein function with a negative predictive value of 95%. In summary, the available evidence is currently insufficient to determine the role of this variant in disease. Therefore, it has been classified as a Variant of Uncertain Significance.

Quest Diagnostics Nichols Institute San Juan Capistrano
Classification: Uncertain significance. Last evaluated: 2025-06-03. Review status: criteria provided, single submitter. Criteria: Quest Diagnostics criteria. Collection method: clinical testing. Allele origin: unknown.
Comment: The BRCA2 c.5777G>A (p.Ser1926Asn) variant has been reported in the published literature in an individual with pancreatic cancer (PMID: 25719666 (2015)), and described to be located in a region of the BRCA2 gene that is tolerant to missense sequence changes (PMID: 31911673 (2020)). The frequency of this variant in the general population (Genome Aggregation Database) is uninformative in the assessment of its pathogenicity. Analysis of this variant using bioinformatics tools for the prediction of the effect of amino acid changes on protein structure and function yielded predictions that this variant is benign. Based on the available information, we are unable to determine the clinical significance of this variant.

Ambry Genetics
Classification: Uncertain significance for Hereditary cancer-predisposing syndrome. Last evaluated: 2025-03-21. Review status: criteria provided, single submitter. Criteria: Ambry Variant Classification Scheme 2023. Collection method: clinical testing. Allele origin: germline.
Comment: The p.S1926N variant (also known as c.5777G>A), located in coding exon 10 of the BRCA2 gene, results from a G to A substitution at nucleotide position 5777. The serine at codon 1926 is replaced by asparagine, an amino acid with highly similar properties. This amino acid position is not well conserved in available vertebrate species, and asparagine is the reference amino acid in other vertebrate species. In addition, this alteration is predicted to be tolerated by in silico analysis. Based on the available evidence, the clinical significance of this alteration remains unclear.

University of Washington Department of Laboratory Medicine, University of Washington
Classification: Likely benign for Hereditary cancer-predisposing syndrome. Last evaluated: 2023-03-23. Review status: criteria provided, single submitter. Criteria: Dines et al. (Genet Med. 2020). Collection method: curation. Allele origin: germline.
Comment: Missense variant in a coldspot region where missense variants are very unlikely to be pathogenic (PMID:31911673).

BRCA2 exon 11 coldspot. Reclassification based on statistical prior probability.

Blueprint Genetics
Classification: Likely benign. Last evaluated: 2022-11-25. Review status: criteria provided, single submitter. Criteria: ACMG Guidelines, 2015. Collection method: clinical testing. Allele origin: germline.

Women's Health and Genetics/Laboratory Corporation of America, LabCorp
Classification: Uncertain significance. Last evaluated: 2017-02-16. Review status: criteria provided, single submitter. Criteria: LabCorp Variant Classification Summary - May 2015. Collection method: clinical testing. Allele origin: germline.
Comment: Variant summary: The BRCA2 c.5777G>A (p.Ser1926Asn) variant involves the alteration of a non-conserved nucleotide. 4/4 in silico tools predict a benign outcome for this variant (SNPs&GO not captured due to low reliability index). This variant is absent in 121042 control chromosomes. One clinical diagnostic laboratory classified this variant as likely benign, without evidence for independent evaluation. The variant of interest has not, to our knowledge, been reported in affected individuals via publications nor evaluated for functional impact by in vivo/vitro studies. Because of the absence of clinical information and the lack of functional studies, the variant is classified as a variant of uncertain significance (VUS) until additional information becomes available.

Molecular Genetics Laboratory, University of Michigan
Classification: Likely benign for Breast-ovarian cancer, familial, susceptibility to, 2. Last evaluated: 2016-04-21. Review status: criteria provided, single submitter. Criteria: ACMG Guidelines, 2015. Collection method: clinical testing. Allele origin: germline. Affected: yes.

Literature cited by the submitters: PubMed 31911673 (cited by Quest Diagnostics Nichols Institute San Juan Capistrano); PubMed 25719666 (cited by Quest Diagnostics Nichols Institute San Juan Capistrano).

NM_000059.4(BRCA2):c.5777G>A (p.Ser1926Asn)

Gene: BRCA2 (BRCA2 DNA repair associated; plus strand). Cytogenetic location: 13q13.1.
Variant type: single nucleotide variant.
Coding change: c.5777G>A on transcript NM_000059.4 (MANE Select); coding-DNA position 5777, G replaced by A.
Protein change: p.Ser1926Asn; replaces serine 1926 with asparagine.
Molecular consequence: missense variant.
Genome position (GRCh38, 1-based): chr13:32,340,132, G>A. VCF-style: chr13-32340132-G-A. GRCh37 (hg19) VCF-style: chr13-32914269-G-A.
Other names: short protein forms S1926N.
Identifiers: ClinVar variation 225745 (VCV000225745.24), dbSNP rs869320795, ClinGen allele CA10576069.
Genomic context (GRCh38, chr13:32,340,132, plus strand): 5'-ACTCTCTAGATAATGATGAATGTAGCACGCATTCACATAAGGTTTTTGCTGACATTCAGA[G>A]TGAAGAAATTTTACAACATAACCAAAATATGTCTGGATTGGAGAAAGTTTCTAAAATATC-3'
Protein context (NP_000050.3, residues 1916-1936): HSHKVFADIQ[Ser1926Asn]EEILQHNQNM